The following is an entry in ClinVar:

NM_000222.3(KIT):c.2622G>C (p.Pro874=)

Gene: KIT (KIT proto-oncogene, receptor tyrosine kinase; plus strand). Cytogenetic location: 4q12.
Variant type: single nucleotide variant.
Coding change: c.2622G>C on transcript NM_000222.3 (MANE Select); coding-DNA position 2622, G replaced by C.
Protein change: p.Pro874=; no amino-acid change (proline 874 retained).
Molecular consequence: synonymous variant.
Genome position (GRCh38, 1-based): chr4:54,736,746, G>C. VCF-style: chr4-54736746-G-C. GRCh37 (hg19) VCF-style: chr4-55602912-G-C.
Other names: c.2610G>C, p.Pro870= (NM_001093772.2, NM_001385292.1); c.2625G>C, p.Pro875= (NM_001385284.1); c.2619G>C, p.Pro873= (NM_001385285.1); c.2607G>C, p.Pro869= (NM_001385286.1); c.2613G>C, p.Pro871= (NM_001385288.1); c.2622G>C, p.Pro874= (NM_001385290.1).
Identifiers: ClinVar variation 237267 (VCV000237267.15), dbSNP rs55817813, ClinGen allele CA2923814.
Genomic context (GRCh38, chr4:54,736,746, plus strand): 5'-TTGTGATTAACACTGCTTTGCAAACTGTGTCTCAGGAAGCAGCCCCTATCCTGGAATGCC[G>C]GTCGATTCTAAGTTCTACAAGATGATCAAGGAAGGCTTCCGGATGCTCAGCCCTGAACAC-3'
Protein context (NP_000213.1, residues 864-884): SLGSSPYPGM[Pro874=]VDSKFYKMIK

ClinVar aggregate classification (germline): Benign/Likely benign. Review status: criteria provided, multiple submitters, no conflicts (2 of 4 stars). 3 submissions from 3 submitters: Benign (1); Likely benign (2). Last evaluated 2026-06-05.

Conditions:
Hereditary cancer-predisposing syndrome. Also called: Neoplastic Syndromes, Hereditary; Hereditary neoplastic syndrome; Hereditary Cancer Syndrome; Tumor predisposition. Identifiers: Orphanet 140162, MedGen C0027672, MeSH D009386, MONDO:0015356.
Gastrointestinal stromal tumor. Also called: Gastrointestinal stromal tumor, somatic; Gastrointestinal stroma tumor. Identifiers: Orphanet 44890, MedGen C0238198, MeSH D046152, MONDO:0011719, OMIM 606764, HP:0100723.

gnomAD v4.1: 2 of 1,613,940 alleles (0.00012%); highest among the groups gnomAD compares: African/African-American, 0.0027%; no homozygotes.

Submissions (3):

Myriad Genetics, Inc.
Classification: Benign for Gastrointestinal stromal tumor. Last evaluated: 2026-06-05. Review status: criteria provided, single submitter. Criteria: Myriad Autosomal Dominant, Autosomal Recessive and X-Linked Classification Criteria (2023). Collection method: clinical testing. Allele origin: unknown.
Comment: This variant is considered benign. This variant is a silent/synonymous amino acid change and it is not expected to impact splicing.

Labcorp Genetics (formerly Invitae), Labcorp
Classification: Likely benign for Gastrointestinal stromal tumor. Last evaluated: 2024-07-19. Review status: criteria provided, single submitter. Criteria: Invitae Variant Classification Sherloc (09022015). Collection method: clinical testing. Allele origin: germline.

Ambry Genetics
Classification: Likely benign for Hereditary cancer-predisposing syndrome. Last evaluated: 2019-07-17. Review status: criteria provided, single submitter. Criteria: Ambry Variant Classification Scheme 2023. Collection method: clinical testing. Allele origin: germline.